The following is an entry in ClinVar:

NM_004320.6(ATP2A1):c.100G>T (p.Glu34Ter)

Gene: ATP2A1 (ATPase sarcoplasmic/endoplasmic reticulum Ca2+ transporting 1; plus strand). Cytogenetic location: 16p11.2.
Variant type: single nucleotide variant.
Coding change: c.100G>T on transcript NM_004320.6 (MANE Select); coding-DNA position 100, G replaced by T.
Protein change: p.Glu34Ter; replaces glutamic acid 34 with a stop codon.
Molecular consequence: nonsense.
Genome position (GRCh38, 1-based): chr16:28,878,771, G>T. VCF-style: chr16-28878771-G-T. GRCh37 (hg19) VCF-style: chr16-28890092-G-T.
Other names: c.100G>T, p.Glu34Ter (NM_173201.5); short protein forms E34*.
Identifiers: ClinVar variation 446876 (VCV000446876.21), dbSNP rs141559558, ClinGen allele CA7986488.
Genomic context (GRCh38, chr16:28,878,771, plus strand): 5'-GCCTATTTTGGGGTGAGTGAGACCACGGGCCTCACCCCGGACCAAGTTAAGCGGAATCTG[G>T]AGAAATACGGCCTCAATGGTAAGTGTCCCTTGGAAGAGCGGCTGGTAATTAATGCCCTCC-3'

ClinVar aggregate classification (germline): Pathogenic. Review status: criteria provided, multiple submitters, no conflicts (2 of 4 stars). 10 submissions from 10 submitters: Pathogenic (7). 3 of the submissions do not count toward it. Last evaluated 2026-01-20.

Conditions:
Brody myopathy. Also called: BRODY DISEASE. Identifiers: Orphanet 53347, MedGen C1832918, MONDO:0010977, OMIM 601003.
ATP2A1-related disorder. Also called: ATP2A1-related condition.

Allele frequency attached by ClinVar (database versions not stated): gnomAD exomes 0.00004; TOPMed 0.00005; ExAC 0.00007; gnomAD 0.00007; ESP Exome Variant Server 0.00015.
gnomAD v4.1: 122 of 1,613,902 alleles (0.0076%); highest among the groups gnomAD compares: Non-Finnish European, 0.01%; no homozygotes.

Submissions (10):

Variantyx, Inc.
Classification: Pathogenic for Brody myopathy. Last evaluated: 2026-01-20. Review status: criteria provided, single submitter. Criteria: Variantyx Assertion Criteria 2022. Collection method: clinical testing. Allele origin: germline. Inheritance: Autosomal recessive inheritance.
Comment: This is a nonsense variant in the ATP2A1 gene (OMIM: 108730). Pathogenic variants in this gene have been associated with autosomal recessive Brody myopathy. This variant introduces a premature termination codon in exon 1 out of 23 and it is expected to result in loss of function, which is a known disease mechanism for ATP2A1 in this disorder (PMID: 8841193, 10914677, 23911890) (PVS1). This variant has a 0.0101% maximum allele frequency in non-founder control populations (PM2). Based on the current evidence, this variant is classified as pathogenic for autosomal recessive Brody myopathy.

GeneDx
Classification: Pathogenic. Last evaluated: 2025-11-27. Review status: criteria provided, single submitter. Criteria: GeneDx Variant Classification Process June 2021. Collection method: clinical testing. Allele origin: germline.
Comment: Observed multiple times with a pathogenic or likely pathogenic variant in unrelated patients in published literature with clinical features consistent with an ATP2A1-related disorder, but it is not known whether the variants occurred on the same (in cis) or on different (in trans) alleles in all cases (PMID: 10914677, 38373275); Nonsense variant predicted to result in protein truncation or nonsense mediated decay in a gene for which loss of function is a known mechanism of disease; Not observed at significant frequency in large population cohorts (gnomAD); This variant is associated with the following publications: (PMID: 31589614, 8841193, 38125752, 38373275, 10914677, 32040565)

Labcorp Genetics (formerly Invitae), Labcorp
Classification: Pathogenic for Brody myopathy. Last evaluated: 2025-07-09. Review status: criteria provided, single submitter. Criteria: Invitae Variant Classification Sherloc (09022015). Collection method: clinical testing. Allele origin: germline.
Comment: This sequence change creates a premature translational stop signal (p.Glu34*) in the ATP2A1 gene. It is expected to result in an absent or disrupted protein product. Loss-of-function variants in ATP2A1 are known to be pathogenic (PMID: 8841193, 10914677, 23911890). This variant is present in population databases (rs141559558, gnomAD 0.01%). This premature translational stop signal has been observed in individual(s) with Brody myopathy (PMID: 10914677). ClinVar contains an entry for this variant (Variation ID: 446876). Algorithms developed to predict the effect of sequence changes on RNA splicing suggest that this variant may disrupt the consensus splice site. For these reasons, this variant has been classified as Pathogenic.

Blueprint Genetics
Classification: Pathogenic for ATP2A1-related disorders. Last evaluated: 2024-06-07. Review status: criteria provided, single submitter. Criteria: ACMG Guidelines, 2015. Collection method: clinical testing. Allele origin: germline. Affected: yes. Observed: 4 variant alleles.

Department of Pathology and Laboratory Medicine, Sinai Health System
Classification: Pathogenic for Brody myopathy. Last evaluated: 2023-03-13. Review status: criteria provided, single submitter. Criteria: ACMG Guidelines, 2015. Collection method: research. Allele origin: germline.

Baylor Genetics
Classification: Pathogenic for Brody myopathy. Last evaluated: 2018-03-20. Review status: criteria provided, single submitter. Criteria: ACMG Guidelines, 2015. Collection method: clinical testing. Allele origin: paternal. Affected: yes.
Comment: This variant was determined to be pathogenic according to ACMG Guidelines, 2015 [PMID:25741868]. This variant has been previously reported in a family with Brody myopathy [PMID 10914677]

Athena Diagnostics
Classification: Pathogenic. Last evaluated: 2017-06-15. Review status: criteria provided, single submitter. Criteria: Athena Diagnostics Criteria. Collection method: clinical testing. Allele origin: germline.

PreventionGenetics, part of Exact Sciences
Classification: Pathogenic for ATP2A1-related condition. Last evaluated: 2024-02-15. Review status: no assertion criteria provided. Collection method: clinical testing. Allele origin: germline. Not counted in ClinVar's aggregate classification.
Comment: The ATP2A1 c.100G>T variant is predicted to result in premature protein termination (p.Glu34*). This variant was reported in the compound heterozygous and homozygous state in several individuals with Brody myopathy (Odermatt et al. 2000. PubMed ID: 10914677; Molenaar et al. 2020. PubMed ID: 32040565). This variant is reported in 0.011% of alleles in individuals of European (Non-Finnish) descent in gnomAD. Nonsense variants in ATP2A1 are expected to be pathogenic. This variant is interpreted as pathogenic.

Genome Diagnostics Laboratory, University Medical Center Utrecht
Classification: Pathogenic. Review status: no assertion criteria provided. Collection method: clinical testing. Allele origin: germline. Affected: yes. Study: VKGL Data-share Consensus. Not counted in ClinVar's aggregate classification.

Joint Genome Diagnostic Labs from Nijmegen and Maastricht, Radboudumc and MUMC+
Classification: Pathogenic. Review status: no assertion criteria provided. Collection method: clinical testing. Allele origin: germline. Affected: yes. Study: VKGL Data-share Consensus. Not counted in ClinVar's aggregate classification.

Literature cited by the submitters: PubMed 8841193 (cited by Variantyx, Inc. and Labcorp Genetics (formerly Invitae), Labcorp); PubMed 10914677 (cited by 4 submitters); PubMed 23911890 (cited by Variantyx, Inc. and Labcorp Genetics (formerly Invitae), Labcorp); PubMed 32040565 (cited by Variantyx, Inc.).